The following is an entry in ClinVar:

NM_001128840.3(CACNA1D):c.5377C>T (p.Arg1793Trp)

Gene: CACNA1D (calcium voltage-gated channel subunit alpha1 D; plus strand). Cytogenetic location: 3p21.1.
Variant type: single nucleotide variant.
Coding change: c.5377C>T on transcript NM_001128840.3 (MANE Select); coding-DNA position 5377, C replaced by T.
Protein change: p.Arg1793Trp; replaces arginine 1793 with tryptophan.
Molecular consequence: missense variant.
Genome position (GRCh38, 1-based): chr3:53,801,394, C>T. VCF-style: chr3-53801394-C-T. GRCh37 (hg19) VCF-style: chr3-53835421-C-T.
Other names: c.5437C>T, p.Arg1813Trp (NM_000720.4); c.5332C>T, p.Arg1778Trp (NM_001128839.3); c.5437C>T (NM_000720.2); short protein forms R1793W, R1813W, R1778W.
Identifiers: ClinVar variation 1381677 (VCV001381677.11), dbSNP rs555675934, ClinGen allele CA2455109.

ClinVar aggregate classification (germline): Uncertain significance. Review status: criteria provided, multiple submitters, no conflicts (2 of 4 stars). 3 submissions from 3 submitters: Uncertain significance (3). Last evaluated 2025-10-23.

Conditions:
Inborn genetic diseases. Identifiers: MedGen C0950123, MeSH D030342.

Allele frequency attached by ClinVar (database versions not stated): gnomAD 0.00001 and 0.00003; gnomAD exomes 0.00001 and 0.00002; TOPMed 0.00002; ExAC 0.00003; 1000 Genomes Project 30x 0.00016; 1000 Genomes Project 0.00020.
gnomAD v4.1: 20 of 1,614,126 alleles (0.0012%); highest among the groups gnomAD compares: South Asian, 0.014%; no homozygotes.

Submissions (3):

Labcorp Genetics (formerly Invitae), Labcorp
Classification: Uncertain significance. Last evaluated: 2025-10-23. Review status: criteria provided, single submitter. Criteria: Invitae Variant Classification Sherloc (09022015). Collection method: clinical testing. Allele origin: germline.
Comment: This sequence change replaces arginine, which is basic and polar, with tryptophan, which is neutral and slightly polar, at codon 1813 of the CACNA1D protein (p.Arg1813Trp). This variant is present in population databases (rs555675934, gnomAD 0.02%). This variant has not been reported in the literature in individuals affected with CACNA1D-related conditions. ClinVar contains an entry for this variant (Variation ID: 1381677). An algorithm developed to predict the effect of missense changes on protein structure and function (PolyPhen-2) suggests that this variant is likely to be tolerated. In summary, the available evidence is currently insufficient to determine the role of this variant in disease. Therefore, it has been classified as a Variant of Uncertain Significance.

GeneDx
Classification: Uncertain significance. Last evaluated: 2025-05-12. Review status: criteria provided, single submitter. Criteria: GeneDx Variant Classification Process June 2021. Collection method: clinical testing. Allele origin: germline. Affected: yes.
Comment: In silico analysis supports that this missense variant has a deleterious effect on protein structure/function; Has not been previously published as pathogenic or benign to our knowledge

Ambry Genetics
Classification: Uncertain significance for Inborn genetic diseases. Last evaluated: 2025-01-09. Review status: criteria provided, single submitter. Criteria: Ambry Variant Classification Scheme 2023. Collection method: clinical testing. Allele origin: germline.